The following is an entry in ClinVar:

NM_015295.3(SMCHD1):c.4553A>C (p.His1518Pro)

Gene: SMCHD1 (structural maintenance of chromosomes flexible hinge domain containing 1; plus strand). Cytogenetic location: 18p11.32.
Variant type: single nucleotide variant.
Coding change: c.4553A>C on transcript NM_015295.3 (MANE Select); coding-DNA position 4553, A replaced by C.
Protein change: p.His1518Pro; replaces histidine 1518 with proline.
Molecular consequence: missense variant.
Genome position (GRCh38, 1-based): chr18:2,762,223, A>C. VCF-style: chr18-2762223-A-C. GRCh37 (hg19) VCF-style: chr18-2762221-A-C.
Other names: short protein forms H1518P.
Identifiers: ClinVar variation 1517556 (VCV001517556.6), dbSNP rs758405083, ClinGen allele CA8871505.

ClinVar aggregate classification (germline): Uncertain significance (1 of 4 stars; one submission).

Conditions:
Facioscapulohumeral muscular dystrophy 2 (FSHD2). Also called: MUSCULAR DYSTROPHY, FACIOSCAPULOHUMERAL, TYPE 1B; FACIOSCAPULOHUMERAL MUSCULAR DYSTROPHY 2, DIGENIC; FSHD2, DIGENIC. Identifiers: Orphanet 269, MedGen C1834671, MONDO:0008031, OMIM 158901.

Allele frequency attached by ClinVar (database versions not stated): TOPMed below 0.00001; gnomAD 0.00001.
gnomAD v4.1: 3 of 1,613,470 alleles (0.00019%); highest among the groups gnomAD compares: Admixed American, 0.0033%; no homozygotes.

Submission:

Labcorp Genetics (formerly Invitae), Labcorp
Classification: Uncertain significance for Facioscapulohumeral muscular dystrophy 2. Last evaluated: 2023-02-07. Review status: criteria provided, single submitter. Criteria: Invitae Variant Classification Sherloc (09022015). Collection method: clinical testing. Allele origin: germline.
Comment: Advanced modeling of protein sequence and biophysical properties (such as structural, functional, and spatial information, amino acid conservation, physicochemical variation, residue mobility, and thermodynamic stability) performed at Invitae indicates that this missense variant is not expected to disrupt SMCHD1 protein function. ClinVar contains an entry for this variant (Variation ID: 1517556). This variant has not been reported in the literature in individuals affected with SMCHD1-related conditions. This variant is present in population databases (rs758405083, gnomAD 0.006%). This sequence change replaces histidine, which is basic and polar, with proline, which is neutral and non-polar, at codon 1518 of the SMCHD1 protein (p.His1518Pro). In summary, the available evidence is currently insufficient to determine the role of this variant in disease. Therefore, it has been classified as a Variant of Uncertain Significance.